The following is an entry in ClinVar:

ClinVar aggregate classification (germline): Benign. Review status: criteria provided, multiple submitters, no conflicts (2 of 4 stars). 2 submissions from 2 submitters: Benign (2). Last evaluated 2018-01-12.

Conditions:
Disorders of Intracellular Cobalamin Metabolism. Identifiers: MedGen CN043592.

Allele frequency attached by ClinVar (database versions not stated): 1000 Genomes Project 30x 0.47736; 1000 Genomes Project 0.48043; gnomAD exomes 0.23077; TOPMed 0.43515; gnomAD 0.43704.
gnomAD v4.1: 66,591 of 151,762 alleles (44%); highest among the groups gnomAD compares: East Asian, 59%; 14,819 homozygotes.

Submissions (2):

Illumina Laboratory Services, Illumina
Classification: Benign for Disorders of Intracellular Cobalamin Metabolism. Last evaluated: 2018-01-12. Review status: criteria provided, single submitter. Criteria: ICSL Variant Classification Criteria 13 December 2019. Collection method: clinical testing. Allele origin: germline.
Comment: This variant was observed in the ICSL laboratory as part of a predisposition screen in an ostensibly healthy population. It had not been previously curated by ICSL or reported in the Human Gene Mutation Database (HGMD: prior to June 1st, 2018), and was therefore a candidate for classification through an automated scoring system. Utilizing variant allele frequency, disease prevalence and penetrance estimates, and inheritance mode, an automated score was calculated to assess if this variant is too frequent to cause the disease. Based on the score and internal cut-off values, a variant classified as benign is not then subjected to further curation. The score for this variant resulted in a classification of benign for this disease.

Breakthrough Genomics
Classification: Benign. Review status: criteria provided, single submitter. Criteria: ACMG Guidelines, 2015. Collection method: not provided. Allele origin: germline. Inheritance: Autosomal recessive inheritance. Affected: yes.

NM_015506.3(MMACHC):c.*969C>G

Gene: MMACHC (metabolism of cobalamin associated C; plus strand). Cytogenetic location: 1p34.1.
Variant type: single nucleotide variant.
Coding change: c.*969C>G on transcript NM_015506.3 (MANE Select); 969 bases downstream of the stop codon, C replaced by G.
Molecular consequence: 3 prime UTR variant.
Genome position (GRCh38, 1-based): chr1:45,510,184, C>G. VCF-style: chr1-45510184-C-G. GRCh37 (hg19) VCF-style: chr1-45975856-C-G.
Other names: c.*969C>G (NM_001330540.2).
Identifiers: ClinVar variation 297515 (VCV000297515.6), dbSNP rs11580609, ClinGen allele CA10611328.